The following is an entry in ClinVar:

ClinVar aggregate classification (germline): Uncertain significance (1 of 4 stars; one submission).

Conditions:
Hereditary spastic paraplegia 11. Also called: Spastic paraplegia, mental retardation and thin corpus callosum; Nakamura Osame syndrome; Autosomal recessive hereditary spastic paraplegia, mental impairment, and thin corpus callosum; SPASTIC PARAPLEGIA, AUTOSOMAL RECESSIVE, COMPLICATED, WITH THIN CORPUS CALLOSUM; SPASTIC PARAPLEGIA, AUTOSOMAL RECESSIVE, WITH MENTAL IMPAIRMENT AND THIN CORPUS CALLOSUM; Spastic Paraplegia 11. Identifiers: Orphanet 2822, MedGen C1858479, MONDO:0011445, OMIM 604360.

gnomAD v4.1: 10 of 1,614,024 alleles (0.00062%); highest among the groups gnomAD compares: South Asian, 0.0088%; no homozygotes.

Submission:

Labcorp Genetics (formerly Invitae), Labcorp
Classification: Uncertain significance for Spastic paraplegia 11, autosomal recessive. Last evaluated: 2018-11-09. Review status: criteria provided, single submitter. Criteria: Invitae Variant Classification Sherloc (09022015). Collection method: clinical testing. Allele origin: germline.
Comment: This sequence change replaces leucine with valine at codon 297 of the SPG11 protein (p.Leu297Val). The leucine residue is moderately conserved and there is a small physicochemical difference between leucine and valine. This variant is present in population databases (rs751101312, ExAC 0.02%). This variant has not been reported in the literature in individuals with SPG11-related disease. Algorithms developed to predict the effect of missense changes on protein structure and function are either unavailable or do not agree on the potential impact of this missense change (SIFT: "Tolerated"; PolyPhen-2: "Probably Damaging"; Align-GVGD: "Class C0"). Algorithms developed to predict the effect of sequence changes on RNA splicing suggest that this variant may create or strengthen a splice site, but this prediction has not been confirmed by published transcriptional studies. In summary, the available evidence is currently insufficient to determine the role of this variant in disease. Therefore, it has been classified as a Variant of Uncertain Significance.

NM_025137.4(SPG11):c.889C>G (p.Leu297Val)

Gene: SPG11 (SPG11 vesicle trafficking associated, spatacsin; minus strand). Cytogenetic location: 15q21.1.
Variant type: single nucleotide variant.
Coding change: c.889C>G on transcript NM_025137.4 (MANE Select); coding-DNA position 889, C replaced by G.
Protein change: p.Leu297Val; replaces leucine 297 with valine.
Molecular consequence: missense variant.
Genome position (GRCh38, 1-based): chr15:44,652,247, G>C on the plus strand (C>G on the coding strand, the complement: SPG11 is on the minus strand). VCF-style: chr15-44652247-G-C. GRCh37 (hg19) VCF-style: chr15-44944445-G-C.
Other names: c.889C>G, p.Leu297Val (NM_001160227.2); short protein forms L297V.
Identifiers: ClinVar variation 662790 (VCV000662790.1), dbSNP rs751101312, ClinGen allele CA7535682.